The following is an entry in ClinVar:

NM_001379291.1(BRD4):c.884C>T (p.Thr295Ile)

Gene: BRD4 (bromodomain containing 4; minus strand). Cytogenetic location: 19p13.12.
Variant type: single nucleotide variant.
Coding change: c.884C>T on transcript NM_001379291.1 (MANE Select); coding-DNA position 884, C replaced by T.
Protein change: p.Thr295Ile; replaces threonine 295 with isoleucine.
Molecular consequence: missense variant.
Genome position (GRCh38, 1-based): chr19:15,264,732, G>A on the plus strand (C>T on the coding strand, the complement: BRD4 is on the minus strand). VCF-style: chr19-15264732-G-A. GRCh37 (hg19) VCF-style: chr19-15375543-G-A.
Other names: c.884C>T, p.Thr295Ile (NM_001330384.2, NM_001379292.1, NM_014299.3 and 1 more transcripts); short protein forms T295I.
Identifiers: ClinVar variation 3383568 (VCV003383568.1).

ClinVar aggregate classification (germline): Uncertain significance (1 of 4 stars; one submission).

Submission:

GeneDx
Classification: Uncertain significance. Last evaluated: 2024-05-26. Review status: criteria provided, single submitter. Criteria: GeneDx Variant Classification Process June 2021. Collection method: clinical testing. Allele origin: germline. Affected: yes.
Comment: Not observed at significant frequency in large population cohorts (gnomAD); In silico analysis supports that this missense variant has a deleterious effect on protein structure/function; Has not been previously published as pathogenic or benign to our knowledge.